The following is an entry in ClinVar:

ClinVar aggregate classification (germline): Pathogenic. Review status: criteria provided, multiple submitters, no conflicts (2 of 4 stars). 18 submissions from 17 submitters: Pathogenic (13). 5 of the submissions do not count toward it. Last evaluated 2026-09-16.

Conditions:
Usher syndrome. Also called: Usher Syndromes; Usher's syndrome. Identifiers: Orphanet 886, MedGen CN469326, MeSH D052245, MONDO:0019501. Disease mechanism: loss of function.
USH2A-related disorder. Also called: USH2A-related disorders; USH2A-related condition. Identifiers: MedGen CN239332.
Retinitis pigmentosa 39 (RP39). Identifiers: Orphanet 791, MedGen C3151138, MONDO:0013436, OMIM 613809.
Usher syndrome type 2A. Also called: RETINAL DISEASE IN USHER SYNDROME TYPE IIA, MODIFIER OF; USHER SYNDROME, TYPE IIA. Identifiers: Orphanet 231178, Orphanet 886, MedGen C1848634, MONDO:0010169, OMIM 276901.
Retinitis pigmentosa (RP). Identifiers: Orphanet 791, MedGen C0035334, MeSH D012174, MONDO:0019200, OMIM 268000. Inheritance: Autosomal dominant, autosomal recessive and X linked inheritance.

Allele frequency attached by ClinVar (database versions not stated): gnomAD below 0.00001 and 0.00001; TOPMed below 0.00001; gnomAD exomes 0.00003 and 0.00006; ExAC 0.00007.
gnomAD v4.1: 48 of 1,613,372 alleles (0.003%); highest among the groups gnomAD compares: South Asian, 0.043%; no homozygotes.

Submissions (18):

PreventionGenetics, part of Exact Sciences
Classification: Pathogenic for USH2A-related condition. Last evaluated: 2026-09-16. Review status: criteria provided, single submitter. Criteria: ACMG Guidelines, 2015. Collection method: clinical testing. Allele origin: germline.
Comment: The USH2A c.4222C>T variant is predicted to result in premature protein termination (p.Gln1408*). This variant has been reported in the homozygous state or along with a second USH2A variant in patients with retinitis pigmentosa or USH2A-related disease (for example, Tajiguli et al. 2016. PubMed ID: 26856745; Molina-Ramírez et al. 2020. PubMed ID: 32176120; Table S4, Panneman et al. 2023. PubMed ID: 36819107). This variant is reported in 0.046% of alleles in individuals of South Asian descent in gnomAD. Nonsense variants in USH2A are expected to be pathogenic. This variant is interpreted as pathogenic.

Labcorp Genetics (formerly Invitae), Labcorp
Classification: Pathogenic. Last evaluated: 2026-01-26. Review status: criteria provided, single submitter. Criteria: Invitae Variant Classification Sherloc (09022015). Collection method: clinical testing. Allele origin: germline.
Comment: This sequence change creates a premature translational stop signal (p.Gln1408*) in the USH2A gene. It is expected to result in an absent or disrupted protein product. Loss-of-function variants in USH2A are known to be pathogenic (PMID: 10729113, 10909849, 20507924, 25649381). This variant is present in population databases (rs746551311, gnomAD 0.05%). This premature translational stop signal has been observed in individual(s) with retinitis pigmentosa (PMID: 15325563, 26856745). ClinVar contains an entry for this variant (Variation ID: 438021). Algorithms developed to predict the effect of sequence changes on RNA splicing suggest that this variant may disrupt the consensus splice site. For these reasons, this variant has been classified as Pathogenic.

Natera, Inc.
Classification: Pathogenic for Usher syndrome type 2A. Last evaluated: 2025-12-22. Review status: criteria provided, single submitter. Criteria: Natera Variant Classification Schema (03/2026). Collection method: clinical testing. Allele origin: germline.
Comment: The c.4222C>T variant in USH2A is a nonsense variant predicted to introduce a stop codon at amino acid 1408. This variant is expected to result in nonsense mediated decay, truncation, or a dysfunctional protein product. This variant is rare in the general population with a frequency below the threshold expected for the associated phenotype(s). This variant has been observed in one or more individuals affected with the associated recessive disease, as either homozygous or compound heterozygous with a second variant (PMID: 27460420). Given the available evidence, this variant is classified as Pathogenic.

Blueprint Genetics
Classification: Pathogenic for USH2A-related disorders. Last evaluated: 2024-10-25. Review status: criteria provided, single submitter. Criteria: ACMG Guidelines, 2015. Collection method: clinical testing. Allele origin: germline. Affected: yes. Observed: 5 variant alleles.

Fulgent Genetics
Classification: Pathogenic for Usher syndrome type 2A; Retinitis pigmentosa 39. Last evaluated: 2024-04-26. Review status: criteria provided, single submitter. Criteria: ACMG Guidelines, 2015. Collection method: clinical testing. Allele origin: germline.

Baylor Genetics
Classification: Pathogenic for Retinitis pigmentosa 39. Last evaluated: 2024-03-28. Review status: criteria provided, single submitter. Criteria: ACMG Guidelines, 2015. Collection method: clinical testing. Allele origin: unknown.

Genome-Nilou Lab
Classification: Pathogenic for Retinitis pigmentosa 39. Last evaluated: 2023-11-04. Review status: criteria provided, single submitter. Criteria: ACMG Guidelines, 2015. Collection method: clinical testing. Allele origin: germline. Affected: no.

Genome-Nilou Lab
Classification: Pathogenic for Usher syndrome type 2A. Last evaluated: 2023-11-04. Review status: criteria provided, single submitter. Criteria: ACMG Guidelines, 2015. Collection method: clinical testing. Allele origin: germline. Affected: no.

GeneDx
Classification: Pathogenic. Last evaluated: 2023-03-06. Review status: criteria provided, single submitter. Criteria: GeneDx Variant Classification Process June 2021. Collection method: clinical testing. Allele origin: germline. Affected: yes.
Comment: Nonsense variant predicted to result in protein truncation or nonsense mediated decay in a gene for which loss-of-function is a known mechanism of disease; This variant is associated with the following publications: (PMID: 15325563, 26856745, 31047384, 27460420, 31266775, 32176120, 32581362, 31589614, 35266249)

SN ONGC Dept of Genetics and Molecular biology Vision Research Foundation
Classification: Pathogenic for Usher syndrome. Last evaluated: 2022-12-31. Review status: criteria provided, single submitter. Criteria: ACMG Guidelines, 2015. Collection method: research. Allele origin: unknown. Affected: yes. Observed: 1 variant allele, 1 compound heterozygote.

Revvity Omics, Revvity
Classification: Pathogenic. Last evaluated: 2022-07-26. Review status: criteria provided, single submitter. Criteria: ACMG Guidelines, 2015. Collection method: clinical testing. Allele origin: germline.

ARUP Laboratories, Molecular Genetics and Genomics, ARUP Laboratories
Classification: Pathogenic. Last evaluated: 2019-05-22. Review status: criteria provided, single submitter. Criteria: ARUP Molecular Germline Variant Investigation Process. Collection method: clinical testing. Allele origin: germline.
Comment: The USH2A c.4222C>T; p.Gln1408Ter variant (rs746551311) is reported in the literature in several individuals affected with retinitis pigmentosa or Usher syndrome (Bonnet 2016, Seyedahmadi 2004, Tajiguli 2016). This variant has been observed in affected individuals both in the homozygous state and together with a second pathogenic variant (Bonnet 2016, Tajiguli 2016). This variant is found in the South Asian population with an overall allele frequency of 0.04% (14/30612 alleles) in the Genome Aggregation Database, and it is reported as pathogenic by multiple laboratories in ClinVar (Variation ID: 438021). This variant induces an early termination codon and is predicted to result in a truncated protein or mRNA subject to nonsense-mediated decay. Based on available information, this variant is considered to be pathogenic. References: Bonnet C et al. An innovative strategy for the molecular diagnosis of Usher syndrome identifies causal biallelic mutations in 93% of European patients. Eur J Hum Genet. 2016 Dec;24(12):1730-1738. Seyedahmadi BJ et al. Comprehensive screening of the USH2A gene in Usher syndrome type II and non-syndromic recessive retinitis pigmentosa. Exp Eye Res. 2004 Aug;79(2):167-73. Tajiguli A et al. Next-generation sequencing-based molecular diagnosis of 12 inherited retinal disease probands of Uyghur ethnicity. Sci Rep. 2016 Feb 9;6:21384.

Center for Genomics, Ann and Robert H. Lurie Children's Hospital of Chicago
Classification: Pathogenic for Retinitis pigmentosa 39; Usher syndrome type 2A. Review status: criteria provided, single submitter. Criteria: ACMG Guidelines, 2015. Collection method: clinical testing. Allele origin: germline.
Comment: USH2A NM_206933.2 exon 19 p.Gln1408* (c.4222C>T): This variant has been reported in the literature in at least 4 individuals with retinitis pigmentosa as well as 1 individual with an unspecified suspected disease of genetic etiology, typically in the homozygous or compound heterozygous state (Seyedahmadi 2004 PMID:15325563, Tajiguli 2016 PMID:26856745, Hagag 2020 PMID:31266775, Molina-Ramirez 2020 PMID:32176120, Turro 2020 PMID:32581362). This variant is present in 0.02% (1/4818) of South Asian alleles in the Genome Aggregation Database. Please note, disease causing variants may be present in control databases at low frequencies, reflective of the general population, carrier status, and/or variable expressivity. This variant is present in ClinVar, with several labs classifying this variant as Pathogenic (Variation ID:438021). Evolutionary conservation and computational predictive tools for this variant are limited or unavailable. This variant creates a premature stop at this codon which results in an absent or abnormal protein. Loss of function variants are a known mechanism of disease for this gene (Inaba 2020 PMID:33105608). In summary, this variant is classified as pathogenic based on the data above.

Gen-Eye Clinic, Grow Research Laboratory, Narayana Nethralaya
Classification: Pathogenic for Retinitis pigmentosa. Last evaluated: 2025-05-13. Review status: no assertion criteria provided. Collection method: clinical testing. Allele origin: germline. Affected: yes. Not counted in ClinVar's aggregate classification.

Counsyl
Classification: Pathogenic for Usher syndrome type 2A; Retinitis pigmentosa 39. Last evaluated: 2017-04-12. Review status: no assertion criteria provided. Collection method: clinical testing. Allele origin: unknown. Not counted in ClinVar's aggregate classification.

NIHR Bioresource Rare Diseases, University of Cambridge
Classification: Pathogenic for Retinitis pigmentosa. Last evaluated: 2015-01-01. Review status: no assertion criteria provided. Collection method: research. Allele origin: unknown. Affected: yes. Observed: 1 variant allele. Not counted in ClinVar's aggregate classification.

Clinical Genetics, Academic Medical Center
Classification: Pathogenic. Review status: no assertion criteria provided. Collection method: clinical testing. Allele origin: germline. Affected: yes. Study: VKGL Data-share Consensus. Not counted in ClinVar's aggregate classification.

Joint Genome Diagnostic Labs from Nijmegen and Maastricht, Radboudumc and MUMC+
Classification: Pathogenic. Review status: no assertion criteria provided. Collection method: clinical testing. Allele origin: germline. Affected: yes. Study: VKGL Data-share Consensus. Not counted in ClinVar's aggregate classification.

Literature cited by the submitters: PubMed 10729113 (cited by Labcorp Genetics (formerly Invitae), Labcorp); PubMed 10909849 (cited by Labcorp Genetics (formerly Invitae), Labcorp); PubMed 20507924 (cited by Labcorp Genetics (formerly Invitae), Labcorp); PubMed 25649381 (cited by Labcorp Genetics (formerly Invitae), Labcorp); PubMed 15325563 (cited by 3 submitters); PubMed 26856745 (cited by Labcorp Genetics (formerly Invitae), Labcorp and Counsyl); PubMed 27460420 (cited by Natera, Inc. and Counsyl); PubMed 37322672 (cited by Gen-Eye Clinic, Grow Research Laboratory, Narayana Nethralaya); PubMed 28041643 (cited by NIHR Bioresource Rare Diseases, University of Cambridge).

NM_206933.4(USH2A):c.4222C>T (p.Gln1408Ter)

Genes: USH2A (usherin; minus strand), USH2A-AS1 (USH2A antisense RNA 1; plus strand). Cytogenetic location: 1q41.
Variant type: single nucleotide variant.
Coding change: c.4222C>T on transcript NM_206933.4 (MANE Select); coding-DNA position 4222, C replaced by T.
Protein change: p.Gln1408Ter; replaces glutamine 1408 with a stop codon.
Molecular consequence: nonsense.
Genome position (GRCh38, 1-based): chr1:216,196,582, G>A on the plus strand (C>T on the coding strand, the complement: USH2A is on the minus strand). VCF-style: chr1-216196582-G-A. GRCh37 (hg19) VCF-style: chr1-216369924-G-A.
Other names: c.4222C>T, p.Gln1408Ter (NM_007123.6); short protein forms Q1408*.
Identifiers: ClinVar variation 438021 (VCV000438021.63), dbSNP rs746551311, ClinGen allele CA1395785.
Genomic context (GRCh38, chr1:216,196,582, plus strand): 5'-CTGAAAGGACATTAGTTAAAAATAACAATACCTGTGAAAACGCCATGGGAATAGACTGTT[G>A]AGGTGATTGTTCAGAAAGCATATTGATGTCATACCCCACAACTTTTCCTCTTGTAACATT-3'